The following is an entry in ClinVar:

ClinVar aggregate classification (germline): Likely benign (0 of 4 stars; one submission).

Conditions:
KCNQ1-related disorder. Also called: KCNQ1-related condition; KCNQ1-related disorders. Identifiers: MedGen CN239322.

gnomAD v4.1: 3 of 151,202 alleles (0.002%); highest among the groups gnomAD compares: Non-Finnish European, 0.0029%; no homozygotes.

Submission:

PreventionGenetics, part of Exact Sciences
Classification: Likely benign for KCNQ1-related condition. Last evaluated: 2024-05-30. Review status: no assertion criteria provided. Collection method: clinical testing. Allele origin: germline.
Comment: This variant is classified as likely benign based on ACMG/AMP sequence variant interpretation guidelines (Richards et al. 2015 PMID: 25741868, with internal and published modifications).

NM_000218.3(KCNQ1):c.1394-24784C>T

Genes: KCNQ1 (potassium voltage-gated channel subfamily Q member 1; plus strand), KCNQ1OT1 (KCNQ1 opposite strand/antisense transcript 1; minus strand). Cytogenetic location: 11p15.5.
Variant type: single nucleotide variant.
Coding change: c.1394-24784C>T on transcript NM_000218.3 (MANE Select); 24784 bases into the intron before coding-DNA position 1394, C replaced by T.
Molecular consequence: intron variant. On other transcripts: non-coding transcript variant (1).
Genome position (GRCh38, 1-based): chr11:2,637,177, C>T. VCF-style: chr11-2637177-C-T. GRCh37 (hg19) VCF-style: chr11-2658407-C-T.
Other names: c.1124-24784C>T (NM_001406837.1); c.1298-24784C>T (NM_001406836.1); c.854-24784C>T (NM_001406838.1); c.1013-24784C>T (NM_181798.2).
Identifiers: ClinVar variation 3348283 (VCV003348283.1).